The following is an entry in ClinVar:

NM_001130438.3(SPTAN1):c.2194-13T>G

Gene: SPTAN1 (spectrin alpha, non-erythrocytic 1; plus strand). Cytogenetic location: 9q34.11.
Variant type: single nucleotide variant.
Coding change: c.2194-13T>G on transcript NM_001130438.3 (MANE Select); 13 bases into the intron before coding-DNA position 2194, T replaced by G.
Molecular consequence: intron variant.
Genome position (GRCh38, 1-based): chr9:128,584,269, T>G. VCF-style: chr9-128584269-T-G. GRCh37 (hg19) VCF-style: chr9-131346548-T-G.
Other names: c.2194-13T>G (NM_001363759.2, NM_003127.4, NM_001363765.2 and 1 more transcripts).
Identifiers: ClinVar variation 139276 (VCV000139276.15), dbSNP rs28676915, ClinGen allele CA293718.

ClinVar aggregate classification (germline): Benign. Review status: criteria provided, multiple submitters, no conflicts (2 of 4 stars). 6 submissions from 6 submitters: Benign (6). Last evaluated 2026-01-28.

Conditions:
Early-infantile DEE. Also called: Early infantile epileptic encephalopathy; Ohtahara syndrome; Early infantile epileptic encephalopathy with suppression bursts. Identifiers: Orphanet 1934, MedGen C0393706, MONDO:0800491.
Developmental and epileptic encephalopathy, 5 (DEE5). Identifiers: Orphanet 3451, MedGen C3150731, MONDO:0013277, OMIM 613477.

Allele frequency attached by ClinVar (database versions not stated): gnomAD exomes 0.00231; ExAC 0.00282; 1000 Genomes Project 0.00799; ESP Exome Variant Server 0.00861; gnomAD 0.00866 and 0.00932; 1000 Genomes Project 30x 0.00874; TOPMed 0.00997.
gnomAD v4.1: 2,619 of 1,614,170 alleles (0.16%); highest among the groups gnomAD compares: African/African-American, 3.1%; 41 homozygotes.

Submissions (7):

Labcorp Genetics (formerly Invitae), Labcorp
Classification: Benign for Early-infantile DEE. Last evaluated: 2026-01-28. Review status: criteria provided, single submitter. Criteria: Invitae Variant Classification Sherloc (09022015). Collection method: clinical testing. Allele origin: germline.

Fulgent Genetics
Classification: Benign for Developmental and epileptic encephalopathy, 5. Last evaluated: 2022-04-13. Review status: criteria provided, single submitter. Criteria: ACMG Guidelines, 2015. Collection method: clinical testing. Allele origin: unknown.

Genome-Nilou Lab
Classification: Benign for Developmental and epileptic encephalopathy, 5. Last evaluated: 2021-07-15. Review status: criteria provided, single submitter. Criteria: ACMG Guidelines, 2015. Collection method: clinical testing. Allele origin: germline. Affected: no.

GeneDx
Classification: Benign. Last evaluated: 2013-03-27. Review status: criteria provided, single submitter. Criteria: GeneDx Variant Classification (06012015). Collection method: clinical testing. Allele origin: germline. Affected: yes.
Comment: This variant is considered likely benign or benign based on one or more of the following criteria: it is a conservative change, it occurs at a poorly conserved position in the protein, it is predicted to be benign by multiple in silico algorithms, and/or has population frequency not consistent with disease.

Breakthrough Genomics
Classification: Benign. Review status: criteria provided, single submitter. Criteria: ACMG Guidelines, 2015. Collection method: not provided. Allele origin: germline. Inheritance: Autosomal dominant inheritance. Affected: yes.

PreventionGenetics, part of Exact Sciences
Classification: Benign. Review status: criteria provided, single submitter. Criteria: ACMG Guidelines, 2015. Collection method: clinical testing. Allele origin: germline.

Dr. Peter K. Rogan Lab, Western University
No classification provided (evidence only). Condition: Uterine corpus endometrial carcinoma. Review status: no classification provided. Collection method: in vitro. Allele origin: not applicable. Functional consequence: retained intron. Not counted in ClinVar's aggregate classification.